The following is an entry in ClinVar:

NM_001042492.3(NF1):c.415T>G (p.Ser139Ala)

Gene: NF1 (neurofibromin 1; plus strand). Cytogenetic location: 17q11.2.
Variant type: single nucleotide variant.
Coding change: c.415T>G on transcript NM_001042492.3 (MANE Select); coding-DNA position 415, T replaced by G.
Protein change: p.Ser139Ala; replaces serine 139 with alanine.
Molecular consequence: missense variant.
Genome position (GRCh38, 1-based): chr17:31,163,312, T>G. VCF-style: chr17-31163312-T-G. GRCh37 (hg19) VCF-style: chr17-29490330-T-G.
Other names: c.415T>G, p.Ser139Ala (NM_000267.4, NM_001128147.3); short protein forms S139A.
Identifiers: ClinVar variation 1044998 (VCV001044998.8), dbSNP rs1555606096, ClinGen allele CA398981901.

ClinVar aggregate classification (germline): Uncertain significance. Review status: criteria provided, multiple submitters, no conflicts (2 of 4 stars). 3 submissions from 3 submitters: Uncertain significance (3). Last evaluated 2024-10-06.

Conditions:
Hereditary cancer-predisposing syndrome. Also called: Hereditary neoplastic syndrome; Neoplastic Syndromes, Hereditary; Tumor predisposition; Hereditary Cancer Syndrome. Identifiers: Orphanet 140162, MedGen C0027672, MeSH D009386, MONDO:0015356.
Cardiovascular phenotype. Identifiers: MedGen CN230736.
Neurofibromatosis, type 1 (NF1). Also called: VON RECKLINGHAUSEN DISEASE; NEUROFIBROMATOSIS, TYPE I, SOMATIC; Peripheral type neurofibromatosis; Neurofibromatosis, type I. Identifiers: Orphanet 636, MedGen C0027831, MONDO:0018975, OMIM 162200. Disease mechanism: loss of function.

Allele frequency attached by ClinVar (database versions not stated): gnomAD exomes below 0.00001.
gnomAD v4.1: 1 of 1,614,188 alleles (0.000062%); highest among the groups gnomAD compares: Middle Eastern, 0.016%; no homozygotes.

Submissions (3):

Ambry Genetics
Classification: Uncertain significance for Cardiovascular phenotype; Hereditary cancer-predisposing syndrome. Last evaluated: 2024-10-06. Review status: criteria provided, single submitter. Criteria: Ambry Variant Classification Scheme 2023. Collection method: clinical testing. Allele origin: germline.
Comment: The p.S139A variant (also known as c.415T>G), located in coding exon 4 of the NF1 gene, results from a T to G substitution at nucleotide position 415. The serine at codon 139 is replaced by alanine, an amino acid with similar properties. This amino acid position is conserved. In addition, the in silico prediction for this alteration is inconclusive. Based on the available evidence, the clinical significance of this variant remains unclear.

Revvity Omics, Revvity
Classification: Uncertain significance. Last evaluated: 2023-04-26. Review status: criteria provided, single submitter. Criteria: ACMG Guidelines, 2015. Collection method: clinical testing. Allele origin: germline.

Labcorp Genetics (formerly Invitae), Labcorp
Classification: Uncertain significance for Neurofibromatosis, type 1. Last evaluated: 2022-08-28. Review status: criteria provided, single submitter. Criteria: Invitae Variant Classification Sherloc (09022015). Collection method: clinical testing. Allele origin: germline.
Comment: ClinVar contains an entry for this variant (Variation ID: 1044998). This sequence change replaces serine, which is neutral and polar, with alanine, which is neutral and non-polar, at codon 139 of the NF1 protein (p.Ser139Ala). This variant is not present in population databases (gnomAD no frequency). This variant has not been reported in the literature in individuals affected with NF1-related conditions. Algorithms developed to predict the effect of missense changes on protein structure and function are either unavailable or do not agree on the potential impact of this missense change (SIFT: "Deleterious"; PolyPhen-2: "Benign"; Align-GVGD: "Class C0"). In summary, the available evidence is currently insufficient to determine the role of this variant in disease. Therefore, it has been classified as a Variant of Uncertain Significance.